The following is an entry in ClinVar:

NM_014336.5(AIPL1):c.582C>G (p.Tyr194Ter)

Gene: AIPL1 (AIP like 1 HSP90 co-chaperone; minus strand). Cytogenetic location: 17p13.2.
Variant type: single nucleotide variant.
Coding change: c.582C>G on transcript NM_014336.5 (MANE Select); coding-DNA position 582, C replaced by G.
Protein change: p.Tyr194Ter; replaces tyrosine 194 with a stop codon.
Molecular consequence: nonsense.
Genome position (GRCh38, 1-based): chr17:6,426,941, G>C on the plus strand (C>G on the coding strand, the complement: AIPL1 is on the minus strand). VCF-style: chr17-6426941-G-C. GRCh37 (hg19) VCF-style: chr17-6330261-G-C.
Other names: c.516C>G, p.Tyr172Ter (NM_001285400.3); c.582C>G, p.Tyr194Ter (NM_001285401.3); c.465C>G, p.Tyr155Ter (NM_001285402.2); c.558C>G, p.Tyr186Ter (NM_001285403.4); c.393C>G, p.Tyr131Ter (NM_001033054.3); c.402C>G, p.Tyr134Ter (NM_001033055.3); c.546C>G, p.Tyr182Ter (NM_001285399.3); short protein forms Y182*, Y186*, Y131*, Y155*, Y194*, Y134*, Y172*.
Identifiers: ClinVar variation 916623 (VCV000916623.2), dbSNP rs368845643, ClinGen allele CA8328461.

ClinVar aggregate classification (germline): Pathogenic. Review status: criteria provided, single submitter (1 of 4 stars). 2 submissions from 2 submitters: Pathogenic (1). 1 of the submissions does not count toward it. Last evaluated 2025-11-27.

Conditions:
Leber congenital amaurosis 4 (LCA4). Identifiers: MedGen C1858386, MONDO:0011458, OMIM 604393.

Allele frequency attached by ClinVar (database versions not stated): ESP Exome Variant Server 0.00008; ExAC 0.00001.
gnomAD v4.1: 3 of 1,614,214 alleles (0.00019%); highest among the groups gnomAD compares: Non-Finnish European, 0.00025%; no homozygotes.

Submissions (2):

3billion
Classification: Pathogenic for Leber congenital amaurosis 4. Last evaluated: 2025-11-27. Review status: criteria provided, single submitter. Criteria: ACMG Guidelines, 2015. Collection method: clinical testing. Allele origin: germline. Affected: yes.
Comment: The variant is observed at an extremely low frequency in the gnomAD v4.1.0 dataset (total allele frequency: <0.001%). Predicted Consequence/Location: Stop-gained (nonsense): predicted to result in a loss or disruption of normal protein function through nonsense-mediated decay (NMD) or protein truncation. Multiple pathogenic variants are reported downstream of the variant. The variant has been reported to be associated with AIPL1-related disorder (ClinVar ID: VCV000916623 /PMID: 25596619). Therefore, this variant is classified as Pathogenic according to the recommendation of ACMG/AMP guideline.

Laboratory of Genetics in Ophthalmology, Institut Imagine
Classification: Pathogenic for Leber congenital amaurosis 4. Review status: no assertion criteria provided. Collection method: research. Allele origin: inherited. Affected: yes. Observed: 1 variant allele. Not counted in ClinVar's aggregate classification.

Literature cited by the submitters: PubMed 25596619 (cited by 3billion); PubMed 24093488 (cited by Laboratory of Genetics in Ophthalmology, Institut Imagine).